The following is an entry in ClinVar:

ClinVar aggregate classification (germline): Pathogenic/Likely pathogenic. Review status: criteria provided, multiple submitters, no conflicts (2 of 4 stars). 3 submissions from 3 submitters: Pathogenic (1); Likely pathogenic (2). Last evaluated 2026-07-01.

Conditions:
Glycogen storage disease, type II (IOPD). Also called: CARDIOMEGALIA GLYCOGENICA DIFFUSA; GLYCOGENOSIS, GENERALIZED, CARDIAC FORM; GSD II; Glycogen storage disease type 2; Acid maltase deficiency disease; Aglucosidase alfa. Identifiers: Orphanet 365, MedGen C0017921, MONDO:0009290, OMIM 232300.

Submissions (3):

Genomenon, Inc
Classification: Likely pathogenic for Glycogen storage disease, type II. Last evaluated: 2026-07-01. Review status: criteria provided, single submitter. Criteria: Genomenon Sequence Variant Interpretation Standards - Updated. Collection method: curation. Allele origin: germline. Affected: yes.
Comment: GAA p.Leu405Pro (c.1214T>C) is a missense variant that changes the amino acid at codon 405 from Leucine to Proline. This variant has been observed in at least one proband with a GAA-related disorder in the compound heterozygous and/or homozygous state (PMID:33451932;14695532). At least one functional study has demonstrated a substantial alteration in protein function relative to the wild-type (PMID:19862843;24384324). The variant is located in a mutational hotspot and/or important functional domain. It is absent or not present at a significant frequency in gnomAD. In silico models predict that this variant is possibly or probably damaging. In conclusion, we classify GAA p.Leu405Pro (c.1214T>C) as a likely pathogenic variant.

Labcorp Genetics (formerly Invitae), Labcorp
Classification: Pathogenic for Glycogen storage disease, type II. Last evaluated: 2020-08-27. Review status: criteria provided, single submitter. Criteria: Invitae Variant Classification Sherloc (09022015). Collection method: clinical testing. Allele origin: germline.
Comment: For these reasons, this variant has been classified as Pathogenic. This sequence change replaces leucine with proline at codon 405 of the GAA protein (p.Leu405Pro). The leucine residue is highly conserved and there is a moderate physicochemical difference between leucine and proline. This variant is not present in population databases (ExAC no frequency). This variant has been observed in individual(s) with Pompe disease (PMID: 14695532, Invitae). In at least one individual the data is consistent with the variant being in trans (on the opposite chromosome) from a pathogenic variant. Advanced modeling of protein sequence and biophysical properties (such as structural, functional, and spatial information, amino acid conservation, physicochemical variation, residue mobility, and thermodynamic stability) performed at Invitae indicates that this missense variant is expected to disrupt GAA protein function.

Victorian Clinical Genetics Services, Murdoch Childrens Research Institute
Classification: Likely pathogenic for Glycogen storage disease, type II. Last evaluated: 2019-08-28. Review status: criteria provided, single submitter. Criteria: ACMG Guidelines, 2015. Collection method: clinical testing. Allele origin: germline. Inheritance: Autosomal recessive inheritance. Affected: yes.
Comment: A heterozygous missense variant was identified, NM_000152.3(GAA): c.1214T>C in exon 8 of 20 of the GAA gene. This substitution is predicted to create a moderate amino acid change from leucine to proline at position 405 of the protein, NP_000143.2(GAA):p.(Leu405Pro). The leucine at this position has low conservation (100 vertebrates, UCSC), and is located within the GH31_MGAM_SI_GAA domain. In silico software predicts this variant to be disease causing (Polyphen, SIFT, CADD, Mutation Taster). The variant is not present in the gnomAD population database. The variant has been previously reported in a homozygous state in a patient with infantile-onset glycogen storage disease (Hermans M.P et al (2004)). The POMPE database lists the variant as CRIM positive and severe (Kroos M., et al (2008) and Hermans M.P., et al (2004)). Functional studies show that this variant causes enzyme deficiency due to impeded protein maturation, with little or no residual activity (Hermans M.P., et al (2004)). Based on information available at the time of curation, this variant has been classified as LIKELY PATHOGENIC.

Literature cited by the submitters: PubMed 33451932 (cited by Genomenon, Inc); PubMed 14695532 (cited by Genomenon, Inc and Labcorp Genetics (formerly Invitae), Labcorp); PubMed 19862843 (cited by Genomenon, Inc); PubMed 24384324 (cited by Genomenon, Inc).

NM_000152.5(GAA):c.1214T>C (p.Leu405Pro)

Gene: GAA (alpha glucosidase; plus strand). Cytogenetic location: 17q25.3.
Variant type: single nucleotide variant.
Coding change: c.1214T>C on transcript NM_000152.5 (MANE Select); coding-DNA position 1214, T replaced by C.
Protein change: p.Leu405Pro; replaces leucine 405 with proline.
Molecular consequence: missense variant.
Genome position (GRCh38, 1-based): chr17:80,108,716, T>C. VCF-style: chr17-80108716-T-C. GRCh37 (hg19) VCF-style: chr17-78082515-T-C.
Other names: c.1214T>C, p.Leu405Pro (NM_001079803.3, NM_001079804.3); short protein forms L405P.
Identifiers: ClinVar variation 1068774 (VCV001068774.11), dbSNP rs2143857207, ClinGen allele CA401365198.